The following is an entry in ClinVar:

ClinVar aggregate classification (germline): Uncertain significance (1 of 4 stars; one submission).

Conditions:
Androgen resistance syndrome (AIS). Also called: ANDROGEN RECEPTOR DEFICIENCY; DIHYDROTESTOSTERONE RECEPTOR DEFICIENCY; TESTICULAR FEMINIZATION SYNDROME; Androgen insensitivity syndrome; Androgen insensitivity, complete; DHTR DEFICIENCY. Identifiers: Orphanet 754, Orphanet 99429, MedGen C0039585, MONDO:0019154, OMIM 300068. Disease mechanism: loss of function.
Kennedy disease (SMAX1). Also called: KENNEDY SPINAL AND BULBAR MUSCULAR ATROPHY; Spinal and Bulbar Muscular Atrophy; SPINAL AND BULBAR MUSCULAR ATROPHY, X-LINKED 1. Identifiers: Orphanet 481, MedGen C1839259, MONDO:0010735, OMIM 313200.

Allele frequency attached by ClinVar (database versions not stated): gnomAD 0.00001; TOPMed 0.00001.
gnomAD v4.1: 9 of 1,187,018 alleles (0.00076%); highest among the groups gnomAD compares: South Asian, 0.0019%; no homozygotes.

Submission:

Labcorp Genetics (formerly Invitae), Labcorp
Classification: Uncertain significance for Kennedy disease; Androgen resistance syndrome. Last evaluated: 2020-02-14. Review status: criteria provided, single submitter. Criteria: Invitae Variant Classification Sherloc (09022015). Collection method: clinical testing. Allele origin: germline.
Comment: In summary, the available evidence is currently insufficient to determine the role of this variant in disease. Therefore, it has been classified as a Variant of Uncertain Significance. This variant disrupts the p.Arg630 amino acid residue in AR. Other variant(s) that disrupt this residue (reported as p.Arg629 in PMID: 15963062) have been observed in individuals with AR-related conditions (PMID: 15963062, Invitae), which suggests that this may be a clinically significant amino acid residue. Algorithms developed to predict the effect of sequence changes on RNA splicing suggest that this variant may create or strengthen a splice site, but this prediction has not been confirmed by published transcriptional studies. Algorithms developed to predict the effect of missense changes on protein structure and function are either unavailable or do not agree on the potential impact of this missense change (SIFT: "Tolerated"; PolyPhen-2: "Probably Damaging"; Align-GVGD: "Class C0"). This variant has not been reported in the literature in individuals with AR-related conditions. This variant is not present in population databases (ExAC no frequency). This sequence change replaces arginine with glutamine at codon 630 of the AR protein (p.Arg630Gln). The arginine residue is highly conserved and there is a small physicochemical difference between arginine and glutamine.

Literature cited by the submitters: PubMed 15963062.

NM_000044.6(AR):c.1889G>A (p.Arg630Gln)

Gene: AR (androgen receptor; plus strand). Cytogenetic location: Xq12.
Variant type: single nucleotide variant.
Coding change: c.1889G>A on transcript NM_000044.6 (MANE Select); coding-DNA position 1889, G replaced by A.
Protein change: p.Arg630Gln; replaces arginine 630 with glutamine.
Molecular consequence: missense variant.
Genome position (GRCh38, 1-based): chrX:67,711,405, G>A. VCF-style: chrX-67711405-G-A. GRCh37 (hg19) VCF-style: chrX-66931247-G-A.
Other names: c.293G>A, p.Arg98Gln (NM_001011645.3); short protein forms R630Q, R98Q.
Identifiers: ClinVar variation 1063718 (VCV001063718.7), dbSNP rs868669253, ClinGen allele CA413422951.
Genomic context (GRCh38, chrX:67,711,405, plus strand): 5'-GCATTGTGTGTTTTTGACCACTGATGATAAATTCAAGTCTCTCTTCCTTCCCAATAGCCC[G>A]GAAGCTGAAGAAACTTGGTAATCTGAAACTACAGGAGGAAGGAGAGGCTTCCAGCACCAC-3'
Protein context (NP_000035.2, residues 620-640): CYEAGMTLGA[Arg630Gln]KLKKLGNLKL